The following is an entry in ClinVar:

ClinVar aggregate classification (germline): Uncertain significance. Review status: criteria provided, multiple submitters, no conflicts (2 of 4 stars). 2 submissions from 2 submitters: Uncertain significance (2). Last evaluated 2025-09-05.

Conditions:
Combined immunodeficiency due to DOCK8 deficiency (HIES2). Also called: HYPER-IgE RECURRENT INFECTION SYNDROME 2, AUTOSOMAL RECESSIVE; HYPER-IgE SYNDROME 2, AUTOSOMAL RECESSIVE, WITH RECURRENT INFECTIONS; HIES autosomal recessive; DOCK8 Deficiency; Hyper-IgE recurrent infection syndrome, autosomal recessive. Identifiers: Orphanet 217390, MedGen C4722305, MONDO:0009478, OMIM 243700.
Inborn genetic diseases. Identifiers: MedGen C0950123, MeSH D030342.

Allele frequency attached by ClinVar (database versions not stated): gnomAD 0.00002 and 0.00003; gnomAD exomes 0.00004 and 0.00010; ExAC 0.00009; TOPMed 0.00010; 1000 Genomes Project 30x 0.00016; 1000 Genomes Project 0.00020.
gnomAD v4.1: 30 of 1,614,212 alleles (0.0019%); highest among the groups gnomAD compares: Admixed American, 0.047%; no homozygotes.

Submissions (2):

Ambry Genetics
Classification: Uncertain significance for Inborn genetic diseases. Last evaluated: 2025-09-05. Review status: criteria provided, single submitter. Criteria: Ambry Variant Classification Scheme 2023. Collection method: clinical testing. Allele origin: germline.

Labcorp Genetics (formerly Invitae), Labcorp
Classification: Uncertain significance for Combined immunodeficiency due to DOCK8 deficiency. Last evaluated: 2025-04-22. Review status: criteria provided, single submitter. Criteria: Invitae Variant Classification Sherloc (09022015). Collection method: clinical testing. Allele origin: germline.
Comment: This sequence change replaces proline, which is neutral and non-polar, with leucine, which is neutral and non-polar, at codon 206 of the DOCK8 protein (p.Pro206Leu). This variant is present in population databases (rs71509947, gnomAD 0.08%). This variant has not been reported in the literature in individuals affected with DOCK8-related conditions. ClinVar contains an entry for this variant (Variation ID: 854018). Invitae Evidence Modeling of protein sequence and biophysical properties (such as structural, functional, and spatial information, amino acid conservation, physicochemical variation, residue mobility, and thermodynamic stability) has been performed for this missense variant. However, the output from this modeling did not meet the statistical confidence thresholds required to predict the impact of this variant on DOCK8 protein function. In summary, the available evidence is currently insufficient to determine the role of this variant in disease. Therefore, it has been classified as a Variant of Uncertain Significance.

NM_203447.4(DOCK8):c.617C>T (p.Pro206Leu)

Gene: DOCK8 (dedicator of cytokinesis 8; plus strand). Cytogenetic location: 9p24.3.
Variant type: single nucleotide variant.
Coding change: c.617C>T on transcript NM_203447.4 (MANE Select); coding-DNA position 617, C replaced by T.
Protein change: p.Pro206Leu; replaces proline 206 with leucine.
Molecular consequence: missense variant.
Genome position (GRCh38, 1-based): chr9:312,042, C>T. VCF-style: chr9-312042-C-T. GRCh37 (hg19) VCF-style: chr9-312042-C-T.
Other names: c.413C>T, p.Pro138Leu (NM_001190458.2, NM_001193536.2); short protein forms P138L, P206L.
Identifiers: ClinVar variation 854018 (VCV000854018.10), dbSNP rs71509947, ClinGen allele CA4957336.